The following is an entry in ClinVar:

NM_000264.5(PTCH1):c.2922C>G (p.Phe974Leu)

Gene: PTCH1 (patched 1; minus strand). Cytogenetic location: 9q22.32.
Variant type: single nucleotide variant.
Coding change: c.2922C>G on transcript NM_000264.5 (MANE Select); coding-DNA position 2922, C replaced by G.
Protein change: p.Phe974Leu; replaces phenylalanine 974 with leucine.
Molecular consequence: missense variant. On other transcripts: non-coding transcript variant (1).
Genome position (GRCh38, 1-based): chr9:95,458,259, G>C on the plus strand (C>G on the coding strand, the complement: PTCH1 is on the minus strand). VCF-style: chr9-95458259-G-C. GRCh37 (hg19) VCF-style: chr9-98220541-G-C.
Other names: c.2724C>G, p.Phe908Leu (NM_001083602.3); c.2919C>G, p.Phe973Leu (NM_001083603.3); c.2469C>G, p.Phe823Leu (NM_001083604.3, NM_001083605.3, NM_001083606.3 and 1 more transcripts); c.2766C>G, p.Phe922Leu (NM_001354918.2); c.2922C>G (NM_000264.4); short protein forms F908L, F823L, F922L, F973L, F974L.
Identifiers: ClinVar variation 2561877 (VCV002561877.7), dbSNP rs747385350, ClinGen allele CA5138282.

ClinVar aggregate classification (germline): Conflicting classifications of pathogenicity. Review status: criteria provided, conflicting classifications (1 of 4 stars). 3 submissions from 3 submitters: Uncertain significance (2); Benign (1). Last evaluated 2025-04-24.

Conditions:
Gorlin syndrome. Also called: Nevoid Basal Cell Carcinoma Syndrome; Basal cell nevus syndrome. Identifiers: Orphanet 377, MedGen C0004779, MONDO:0007187.
Hereditary cancer-predisposing syndrome. Also called: Tumor predisposition; Hereditary neoplastic syndrome; Neoplastic Syndromes, Hereditary; Hereditary Cancer Syndrome. Identifiers: Orphanet 140162, MedGen C0027672, MeSH D009386, MONDO:0015356.

Allele frequency attached by ClinVar (database versions not stated): ExAC 0.00001.
gnomAD v4.1: 3 of 1,614,054 alleles (0.00019%); highest among the groups gnomAD compares: Admixed American, 0.0033%; no homozygotes.

Submissions (3):

Labcorp Genetics (formerly Invitae), Labcorp
Classification: Benign for Gorlin syndrome. Last evaluated: 2025-04-24. Review status: criteria provided, single submitter. Criteria: Invitae Variant Classification Sherloc (09022015). Collection method: clinical testing. Allele origin: germline.

Quest Diagnostics Nichols Institute San Juan Capistrano
Classification: Uncertain significance. Last evaluated: 2024-11-15. Review status: criteria provided, single submitter. Criteria: Quest Diagnostics criteria. Collection method: clinical testing. Allele origin: unknown.
Comment: The PTCH1 c.2922C>G (p.Phe974Leu) variant has not been reported in individuals with PTCH1-related conditions in the published literature. The frequency of this variant in the general population, 0.000008 (2/249846 chromosomes (Genome Aggregation Database)), is uninformative in the assessment of its pathogenicity. Analysis of this variant using bioinformatics tools for the prediction of the effect of amino acid changes on protein structure and function yielded conflicting predictions that this variant is deleterious or benign. Based on the available information, we are unable to determine the clinical significance of this variant.

Ambry Genetics
Classification: Uncertain significance for Hereditary cancer-predisposing syndrome. Last evaluated: 2023-03-17. Review status: criteria provided, single submitter. Criteria: Ambry Variant Classification Scheme 2023. Collection method: clinical testing. Allele origin: germline.
Comment: The p.F974L variant (also known as c.2922C>G), located in coding exon 18 of the PTCH1 gene, results from a C to G substitution at nucleotide position 2922. The phenylalanine at codon 974 is replaced by leucine, an amino acid with highly similar properties. This amino acid position is conserved. In addition, this alteration is predicted to be deleterious by in silico analysis. Since supporting evidence is limited at this time, the clinical significance of this alteration remains unclear.